The following is an entry in ClinVar:

ClinVar aggregate classification (germline): Likely pathogenic. Review status: no assertion criteria provided (0 of 4 stars). 2 submissions from 2 submitters: Likely pathogenic (1). 1 of the submissions does not count toward it. Last evaluated 2023-11-28.

Conditions:
KCNQ2-Related Disorders. Also called: KCNQ2-related condition; KCNQ2-related disorder. Identifiers: MedGen CN169299.
Developmental and epileptic encephalopathy, 7 (DEE7). Also called: KCNQ2-Related Neonatal Epileptic Encephalopathy; Early infantile epileptic encephalopathy 7; KCNQ2-Related Neonatal-Onset Developmental and Epileptic Encephalopathy (NEO-DEE). Identifiers: Orphanet 439218, MedGen C3150986, MONDO:0013387, OMIM 613720.

Submissions (2):

PreventionGenetics, part of Exact Sciences
Classification: Likely pathogenic for KCNQ2-related condition. Last evaluated: 2023-11-28. Review status: no assertion criteria provided. Collection method: clinical testing. Allele origin: germline.
Comment: The KCNQ2 c.341C>T variant is predicted to result in the amino acid substitution p.Thr114Ile. This variant was reported to occur de novo in an individual with early onset epileptic encephalopathy (case #1654 in Saitsu et al 2012. PubMed ID: 22926866). A different amino acid substitution at this position (c.340A>G, p.Thr114Ala) was reported in a patient with benign familial neonatal epilepsy (Grinton et al 2015. PubMed ID: 25982755). This variant has not been reported in a large population database, indicating this variant is rare. This variant is interpreted as likely pathogenic.

GeneReviews
No classification provided. Condition: Developmental and epileptic encephalopathy, 7. Review status: no classification provided. Collection method: literature only. Allele origin: germline. Affected: yes. Not counted in ClinVar's aggregate classification.
Comment: Likely EE (epileptic encephalopathy)

Literature cited by the submitters: PubMed 22926866 (cited by GeneReviews); NCBI Bookshelf NBK32534 (cited by GeneReviews).

NM_172107.4(KCNQ2):c.341C>T (p.Thr114Ile)

Gene: KCNQ2 (potassium voltage-gated channel subfamily Q member 2; minus strand). Cytogenetic location: 20q13.33.
Variant type: single nucleotide variant.
Coding change: c.341C>T on transcript NM_172107.4 (MANE Select); coding-DNA position 341, C replaced by T.
Protein change: p.Thr114Ile; replaces threonine 114 with isoleucine.
Molecular consequence: missense variant.
Genome position (GRCh38, 1-based): chr20:63,446,793, G>A on the plus strand (C>T on the coding strand, the complement: KCNQ2 is on the minus strand). VCF-style: chr20-63446793-G-A. GRCh37 (hg19) VCF-style: chr20-62078146-G-A.
Other names: c.341C>T (NM_172107.3); c.341C>T, p.Thr114Ile (NM_004518.6, NM_172106.3, NM_172108.5 and 1 more transcripts); short protein forms T114I.
Identifiers: ClinVar variation 369742 (VCV000369742.4), dbSNP rs1057516077, ClinGen allele CA10654834.